The following is an entry in ClinVar:

ClinVar aggregate classification (germline): Uncertain significance. Review status: criteria provided, single submitter (1 of 4 stars). 2 submissions from 2 submitters: Uncertain significance (1). 1 of the submissions does not count toward it. Last evaluated 2025-04-23.

Conditions:
Noonan syndrome (NS). Also called: Noonan's syndrome. Identifiers: Orphanet 648, MedGen C0028326, MeSH D009634, MONDO:0018997. Disease mechanism: gain of function.
Cardiovascular phenotype. Identifiers: MedGen CN230736.

gnomAD v4.1: 1 of 1,614,152 alleles (0.000062%); highest among the groups gnomAD compares: East Asian, 0.0022%; no homozygotes.

Submissions (2):

Ambry Genetics
Classification: Uncertain significance for Cardiovascular phenotype. Last evaluated: 2025-04-23. Review status: criteria provided, single submitter. Criteria: Ambry Variant Classification Scheme 2023. Collection method: clinical testing. Allele origin: germline.
Comment: The p.R256T variant (also known as c.767G>C), located in coding exon 6 of the RAF1 gene, results from a G to C substitution at nucleotide position 767. The arginine at codon 256 is replaced by threonine, an amino acid with similar properties. This variant has been reported in a cohort of subjects suspected to have a RASopathy spectrum disorder (Ylmaz Uzman C et al. Eur J Pediatr, 2024 Dec;184:108). This amino acid position is highly conserved in available vertebrate species. In addition, the in silico prediction for this alteration is inconclusive. Based on the available evidence, the clinical significance of this variant remains unclear.

Service de Génétique Moléculaire, Hôpital Robert Debré
Classification: Uncertain significance for Noonan syndrome. Review status: no assertion criteria provided. Collection method: clinical testing. Allele origin: unknown. Affected: yes. Not counted in ClinVar's aggregate classification.

Literature cited by the submitters: PubMed 39725732 (cited by Ambry Genetics).

NM_002880.4(RAF1):c.767G>C (p.Arg256Thr)

Gene: RAF1 (Raf-1 proto-oncogene, serine/threonine kinase; minus strand). Cytogenetic location: 3p25.2.
Variant type: single nucleotide variant.
Coding change: c.767G>C on transcript NM_002880.4 (MANE Select); coding-DNA position 767, G replaced by C.
Protein change: p.Arg256Thr; replaces arginine 256 with threonine.
Molecular consequence: missense variant. On other transcripts: non-coding transcript variant (3).
Genome position (GRCh38, 1-based): chr3:12,604,203, C>G on the plus strand (G>C on the coding strand, the complement: RAF1 is on the minus strand). VCF-style: chr3-12604203-C-G. GRCh37 (hg19) VCF-style: chr3-12645702-C-G.
Other names: c.767G>C, p.Arg256Thr (NM_001354689.3, NM_001354690.3); c.524G>C, p.Arg175Thr (NM_001354691.3, NM_001354692.3, NM_001354694.3); c.668G>C, p.Arg223Thr (NM_001354693.3); c.425G>C, p.Arg142Thr (NM_001354695.3); short protein forms R142T, R175T, R223T, R256T.
Identifiers: ClinVar variation 981539 (VCV000981539.2), dbSNP rs1273749159, ClinGen allele CA351512473.
Genomic context (GRCh38, chr3:12,604,203, plus strand): 5'-ATCCTGCTGTCCACAGGCAGGGTGGTGCTGACCATGTGGACATTAGGTGTGGATGTCGAC[C>G]TCTGCCTCTGGGAGAGGGAACCTTCAGATGAGGGACTGGAGGTGTTAAAGGTGAAGGCGT-3'
Protein context (NP_002871.1, residues 246-266): SSEGSLSQRQ[Arg256Thr]STSTPNVHMV